The following is an entry in ClinVar:

ClinVar aggregate classification (germline): Pathogenic (1 of 4 stars; one submission).

Conditions:
Duchenne muscular dystrophy (DMD). Also called: MUSCULAR DYSTROPHY, PSEUDOHYPERTROPHIC PROGRESSIVE, DUCHENNE TYPE; Duchenne Muscular Dystrophy (DMD). Identifiers: Orphanet 98896, MedGen C0013264, MONDO:0010679, OMIM 310200.

Submission:

Labcorp Genetics (formerly Invitae), Labcorp
Classification: Pathogenic for Duchenne muscular dystrophy. Last evaluated: 2023-01-05. Review status: criteria provided, single submitter. Criteria: Invitae Variant Classification Sherloc (09022015). Collection method: clinical testing. Allele origin: germline.
Comment: For these reasons, this variant has been classified as Pathogenic. This variant has not been reported in the literature in individuals affected with DMD-related conditions. This variant is not present in population databases (gnomAD no frequency). This sequence change creates a premature translational stop signal (p.Glu422Serfs*3) in the DMD gene. It is expected to result in an absent or disrupted protein product. Loss-of-function variants in DMD are known to be pathogenic (PMID: 16770791, 25007885).

Literature cited by the submitters: PubMed 16770791; PubMed 25007885.

NM_004006.3(DMD):c.1264del (p.Glu422fs)

Gene: DMD (dystrophin; minus strand). Cytogenetic location: Xp21.1.
Variant type: Deletion.
Coding change: c.1264del on transcript NM_004006.3 (MANE Select); coding-DNA position 1264, one base deleted (G; older notation c.1264delG).
Protein change: p.Glu422fs; shifts the reading frame from glutamic acid 422.
Molecular consequence: frameshift variant.
Genome position (GRCh38, 1-based): chrX:32,644,199, C deleted on the plus strand (G on the coding strand, the reverse complement: DMD is on the minus strand). VCF-style (leftmost placement, unchanged base first): chrX-32644198-TC-T. GRCh37 (hg19) VCF-style: chrX-32662315-TC-T.
Other names: c.1240del, p.Glu414fs (NM_000109.4); c.1252del, p.Glu418fs (NM_004009.3); c.895del, p.Glu299fs (NM_004010.3); short protein forms E422fs, E299fs, E414fs, E418fs.
Identifiers: ClinVar variation 2824999 (VCV002824999.3), dbSNP rs2519633348, ClinGen allele CA2739273345.
Genomic context (GRCh38, chrX:32,644,198, plus strand): 5'-TGTTTTTCCATGCTAGCTACCCTGAGGCATTCCCATCTTGAATTTAGGAGATTCATCTGC[TC>T]TTGTACTTCAGTTTCTTCATCTTCTGATAATTTTCCTGTTCCAATCAGCTTACTTCCCAA-3'